The following is an entry in ClinVar:

ClinVar aggregate classification (germline): Uncertain significance (1 of 4 stars; one submission).

Submission:

GeneDx
Classification: Uncertain significance. Last evaluated: 2025-06-10. Review status: criteria provided, single submitter. Criteria: GeneDx Variant Classification Process June 2021. Collection method: clinical testing. Allele origin: germline. Affected: yes.
Comment: Not observed at significant frequency in large population cohorts (gnomAD); In silico analysis supports a deleterious effect on splicing; Has not been previously published as pathogenic or benign to our knowledge

NM_001128225.3(SLC39A13):c.415+4A>G

Gene: SLC39A13 (solute carrier family 39 member 13; plus strand). Cytogenetic location: 11p11.2.
Variant type: single nucleotide variant.
Coding change: c.415+4A>G on transcript NM_001128225.3 (MANE Select); 4 bases into the intron after coding-DNA position 415, A replaced by G.
Molecular consequence: intron variant.
Genome position (GRCh38, 1-based): chr11:47,412,043, A>G. VCF-style: chr11-47412043-A-G. GRCh37 (hg19) VCF-style: chr11-47433594-A-G.
Other names: c.415+4A>G (NM_001441271.1, NM_152264.5, NM_001330245.2 and 5 more transcripts).
Identifiers: ClinVar variation 4537618 (VCV004537618.1).
Genomic context (GRCh38, chr11:47,412,043, plus strand): 5'-ATGTGTTTCTGCATCTGCTGCCCGAAGCCTGGGCCTACACGTGCAGCGCCAGCCCTGGTA[A>G]GTGAGGCCACACGCCAGGGGCAAGACAGTGCCAGGAGTGGGGGCCTGGTGCCCACGCCCA-3'